The following is an entry in ClinVar:

NM_001160372.4(TRAPPC9):c.902A>G (p.Asn301Ser)

Gene: TRAPPC9 (trafficking protein particle complex subunit 9; minus strand). Cytogenetic location: 8q24.3.
Variant type: single nucleotide variant.
Coding change: c.902A>G on transcript NM_001160372.4 (MANE Select); coding-DNA position 902, A replaced by G.
Protein change: p.Asn301Ser; replaces asparagine 301 with serine.
Molecular consequence: missense variant. On other transcripts: non-coding transcript variant (1).
Genome position (GRCh38, 1-based): chr8:140,405,683, T>C on the plus strand (A>G on the coding strand, the complement: TRAPPC9 is on the minus strand). VCF-style: chr8-140405683-T-C. GRCh37 (hg19) VCF-style: chr8-141415782-T-C.
Other names: c.875A>G, p.Asn292Ser (NM_001321646.2); c.923A>G, p.Asn308Ser (NM_001374682.1); c.902A>G, p.Asn301Ser (NM_001374683.1, NM_001374684.1, NM_031466.8); short protein forms N292S, N301S, N308S.
Identifiers: ClinVar variation 1314186 (VCV001314186.5), dbSNP rs779620347, ClinGen allele CA4893587.

ClinVar aggregate classification (germline): Uncertain significance. Review status: criteria provided, multiple submitters, no conflicts (2 of 4 stars). 3 submissions from 3 submitters: Uncertain significance (3). Last evaluated 2025-11-15.

Conditions:
Inborn genetic diseases. Identifiers: MedGen C0950123, MeSH D030342.

Allele frequency attached by ClinVar (database versions not stated): gnomAD exomes 0.00001 and 0.00002; ExAC 0.00002.
gnomAD v4.1: 13 of 1,614,204 alleles (0.00081%); highest among the groups gnomAD compares: Admixed American, 0.0033%; no homozygotes.

Submissions (3):

Labcorp Genetics (formerly Invitae), Labcorp
Classification: Uncertain significance. Last evaluated: 2025-11-15. Review status: criteria provided, single submitter. Criteria: Invitae Variant Classification Sherloc (09022015). Collection method: clinical testing. Allele origin: germline.
Comment: This sequence change replaces asparagine, which is neutral and polar, with serine, which is neutral and polar, at codon 399 of the TRAPPC9 protein (p.Asn399Ser). This variant is present in population databases (rs779620347, gnomAD 0.01%). This variant has not been reported in the literature in individuals affected with TRAPPC9-related conditions. ClinVar contains an entry for this variant (Variation ID: 1314186). An algorithm developed to predict the effect of missense changes on protein structure and function (PolyPhen-2) suggests that this variant is likely to be disruptive. In summary, the available evidence is currently insufficient to determine the role of this variant in disease. Therefore, it has been classified as a Variant of Uncertain Significance.

Ambry Genetics
Classification: Uncertain significance for Inborn genetic diseases. Last evaluated: 2023-06-12. Review status: criteria provided, single submitter. Criteria: Ambry Variant Classification Scheme 2023. Collection method: clinical testing. Allele origin: germline.

GeneDx
Classification: Uncertain significance. Last evaluated: 2021-03-29. Review status: criteria provided, single submitter. Criteria: GeneDx Variant Classification Process June 2021. Collection method: clinical testing. Allele origin: germline. Affected: yes.
Comment: Not observed at a significant frequency in large population cohorts (Lek et al., 2016); In silico analysis supports that this missense variant does not alter protein structure/function; Has not been previously published as pathogenic or benign to our knowledge